The following is an entry in ClinVar:

NM_014141.6(CNTNAP2):c.857G>A (p.Arg286Gln)

Gene: CNTNAP2 (contactin associated protein 2; plus strand). Cytogenetic location: 7q35.
Variant type: single nucleotide variant.
Coding change: c.857G>A on transcript NM_014141.6 (MANE Select); coding-DNA position 857, G replaced by A.
Protein change: p.Arg286Gln; replaces arginine 286 with glutamine.
Molecular consequence: missense variant.
Genome position (GRCh38, 1-based): chr7:147,121,081, G>A. VCF-style: chr7-147121081-G-A. GRCh37 (hg19) VCF-style: chr7-146818173-G-A.
Other names: short protein forms R286Q.
Identifiers: ClinVar variation 205227 (VCV000205227.7), dbSNP rs375721700, ClinGen allele CA314088.

ClinVar aggregate classification (germline): Uncertain significance. Review status: criteria provided, multiple submitters, no conflicts (2 of 4 stars). 3 submissions from 3 submitters: Uncertain significance (3). Last evaluated 2022-10-17.

Conditions:
Cortical dysplasia-focal epilepsy syndrome (PTHSL1). Also called: Pitt-Hopkins-like syndrome 1. Identifiers: Orphanet 163681, Orphanet 221150, MedGen C2750246, MONDO:0012400, OMIM 610042.

Allele frequency attached by ClinVar (database versions not stated): gnomAD 0.00004 and 0.00005; gnomAD exomes 0.00005; TOPMed 0.00005; ESP Exome Variant Server 0.00008.

Submissions (3):

Labcorp Genetics (formerly Invitae), Labcorp
Classification: Uncertain significance for Cortical dysplasia-focal epilepsy syndrome. Last evaluated: 2022-10-17. Review status: criteria provided, single submitter. Criteria: Invitae Variant Classification Sherloc (09022015). Collection method: clinical testing. Allele origin: germline.
Comment: This sequence change replaces arginine, which is basic and polar, with glutamine, which is neutral and polar, at codon 286 of the CNTNAP2 protein (p.Arg286Gln). This variant is present in population databases (rs375721700, gnomAD 0.04%). This variant has not been reported in the literature in individuals affected with CNTNAP2-related conditions. ClinVar contains an entry for this variant (Variation ID: 205227). Algorithms developed to predict the effect of missense changes on protein structure and function are either unavailable or do not agree on the potential impact of this missense change (SIFT: "Deleterious"; PolyPhen-2: "Possibly Damaging"; Align-GVGD: "Class C0"). In summary, the available evidence is currently insufficient to determine the role of this variant in disease. Therefore, it has been classified as a Variant of Uncertain Significance.

Revvity Omics, Revvity
Classification: Uncertain significance for Cortical dysplasia-focal epilepsy syndrome. Last evaluated: 2021-08-26. Review status: criteria provided, single submitter. Criteria: ACMG Guidelines, 2015. Collection method: clinical testing. Allele origin: germline.

GeneDx
Classification: Uncertain significance. Last evaluated: 2015-01-02. Review status: criteria provided, single submitter. Criteria: GeneDx Variant Classification (06012015). Collection method: clinical testing. Allele origin: germline. Affected: yes.
Comment: p.Arg286Gln (CGG>CAG): c.857 G>A in exon 6 of the CNTNAP2 gene (NM_014141.5). The R286Q variant has not been published as a mutation, nor has it been reported as a benign polymorphism to our knowledge. The R286Q variant was not observed with any significant frequency in approximately 6,500 individuals of European and African American ancestry in the NHLBI Exome Sequencing Project, indicating it is not a common benign variant in these populations. The R286Q variant is a non-conservative amino acid substitution, which is likely to impact secondary protein structure as these residues differ in polarity, charge, size and/or other properties. This substitution occurs at a position that is conserved across species. However, in silico analysis is inconsistent in its predictions as to whether or not the variant is damaging to the protein structure/function. Therefore, based on the currently available information, it is unclear whether this variant is a pathogenic mutation or a rare benign variant. The variant is found in EPILEPSY panel(s).